The following is an entry in ClinVar:

ClinVar aggregate classification (germline): Conflicting classifications of pathogenicity. Review status: criteria provided, conflicting classifications (1 of 4 stars). 8 submissions from 8 submitters: Uncertain significance (2); Benign (2); Likely benign (2). 2 of the submissions do not count toward it. Last evaluated 2026-01-26.

Conditions:
LOXHD1-related disorder. Also called: LOXHD1-related condition.
Autosomal recessive nonsyndromic hearing loss 77. Identifiers: Orphanet 90636, MedGen C2746083, MONDO:0013119, OMIM 613079.

Allele frequency attached by ClinVar (database versions not stated): 1000 Genomes Project 0.00080; gnomAD 0.00097 and 0.00108; TOPMed 0.00124; ESP Exome Variant Server 0.00153; ExAC 0.00032; 1000 Genomes Project 30x 0.00062.
gnomAD v4.1: 309 of 1,551,818 alleles (0.02%); highest among the groups gnomAD compares: African/African-American, 0.32%; 1 homozygote.

Submissions (8):

Labcorp Genetics (formerly Invitae), Labcorp
Classification: Benign. Last evaluated: 2026-01-26. Review status: criteria provided, single submitter. Criteria: Invitae Variant Classification Sherloc (09022015). Collection method: clinical testing. Allele origin: germline.

Blueprint Genetics
Classification: Likely benign. Last evaluated: 2024-10-08. Review status: criteria provided, single submitter. Criteria: ACMG Guidelines, 2015. Collection method: clinical testing. Allele origin: germline.

Illumina Laboratory Services, Illumina
Classification: Uncertain significance for Autosomal recessive nonsyndromic hearing loss 77. Last evaluated: 2018-01-13. Review status: criteria provided, single submitter. Criteria: ICSL Variant Classification Criteria 13 December 2019. Collection method: clinical testing. Allele origin: germline.

GeneDx
Classification: Likely benign. Last evaluated: 2017-12-14. Review status: criteria provided, single submitter. Criteria: GeneDx Variant Classification (06012015). Collection method: clinical testing. Allele origin: germline. Affected: yes.
Comment: This variant is considered likely benign or benign based on one or more of the following criteria: it is a conservative change, it occurs at a poorly conserved position in the protein, it is predicted to be benign by multiple in silico algorithms, and/or has population frequency not consistent with disease.

Laboratory for Molecular Medicine, Mass General Brigham Personalized Medicine
Classification: Benign. Last evaluated: 2017-07-05. Review status: criteria provided, single submitter. Criteria: LMM Criteria. Collection method: clinical testing. Allele origin: germline. Observed: 3 variant alleles.
Comment: p.Thr59Thr in Exon 2 of LOXHD1: This variant is not expected to have clinical si gnificance because it does not alter an amino acid residue, is not located withi n the splice consensus sequence, and has been identified in 0.3% (64/16468) of A frican chromosomes by the Genome Aggregation Database (gnomAD; dbSNP rs116413527).

Eurofins Ntd Llc (ga)
Classification: Uncertain significance. Last evaluated: 2016-05-04. Review status: criteria provided, single submitter. Criteria: EGL Classification Definitions 2015. Collection method: clinical testing. Allele origin: germline. Observed: 1 variant allele, 1 heterozygote.

Natera, Inc.
Classification: Uncertain significance for Autosomal recessive deafness type 77. Last evaluated: 2020-01-09. Review status: no assertion criteria provided. Collection method: clinical testing. Allele origin: germline. Not counted in ClinVar's aggregate classification.

PreventionGenetics, part of Exact Sciences
Classification: Likely benign for LOXHD1-related condition. Last evaluated: 2019-09-04. Review status: no assertion criteria provided. Collection method: clinical testing. Allele origin: germline. Not counted in ClinVar's aggregate classification.
Comment: This variant is classified as likely benign based on ACMG/AMP sequence variant interpretation guidelines (Richards et al. 2015 PMID: 25741868, with internal and published modifications).

NM_001384474.1(LOXHD1):c.177G>A (p.Thr59=)

Gene: LOXHD1 (lipoxygenase homology PLAT domains 1; minus strand). Cytogenetic location: 18q21.1.
Variant type: single nucleotide variant.
Coding change: c.177G>A on transcript NM_001384474.1 (MANE Select); coding-DNA position 177, G replaced by A.
Protein change: p.Thr59=; no amino-acid change (threonine 59 retained).
Molecular consequence: synonymous variant.
Genome position (GRCh38, 1-based): chr18:46,649,223, C>T on the plus strand (G>A on the coding strand, the complement: LOXHD1 is on the minus strand). VCF-style: chr18-46649223-C-T. GRCh37 (hg19) VCF-style: chr18-44229186-C-T.
Other names: c.177G>A, p.Thr59= (NM_144612.7).
Identifiers: ClinVar variation 163938 (VCV000163938.27), dbSNP rs116413527, ClinGen allele CA176666.